The following is an entry in ClinVar:

NM_024642.5(GALNT12):c.7G>C (p.Gly3Arg)

Gene: GALNT12 (polypeptide N-acetylgalactosaminyltransferase 12; plus strand). Cytogenetic location: 9q22.33.
Variant type: single nucleotide variant.
Coding change: c.7G>C on transcript NM_024642.5 (MANE Select); coding-DNA position 7, G replaced by C.
Protein change: p.Gly3Arg; replaces glycine 3 with arginine.
Molecular consequence: missense variant.
Genome position (GRCh38, 1-based): chr9:98,807,705, G>C. VCF-style: chr9-98807705-G-C. GRCh37 (hg19) VCF-style: chr9-101569987-G-C.
Other names: short protein forms G3R.
Identifiers: ClinVar variation 2561004 (VCV002561004.2), dbSNP rs1835404321, ClinGen allele CA374221986.
Genomic context (GRCh38, chr9:98,807,705, plus strand): 5'-GGCCTCCACCGCCGCCTTGGGGCGCGCAGATCGCTGGCTGCAGTTGGCGGGCGCATGTGG[G>C]GGCGCACGGCGCGGCGGCGCTGCCCGCGGGAACTGCGGCGCGGCCGGGAGGCGCTGTTGG-3'
Protein context (NP_078918.3, residues 1-13): MW[Gly3Arg]RTARRRCPRE

ClinVar aggregate classification (germline): Uncertain significance (1 of 4 stars; one submission).

Submission:

Ambry Genetics
Classification: Uncertain significance. Last evaluated: 2023-05-17. Review status: criteria provided, single submitter. Criteria: Ambry Variant Classification Scheme 2023. Collection method: clinical testing. Allele origin: germline.
Comment: The p.G3R variant (also known as c.7G>C), located in coding exon 1 of the GALNT12 gene, results from a G to C substitution at nucleotide position 7. The glycine at codon 3 is replaced by arginine, an amino acid with dissimilar properties. This amino acid position is well conserved in available vertebrate species. In addition, this alteration is predicted to be tolerated by in silico analysis. The evidence for this gene-disease relationship is limited; therefore, the clinical significance of this alteration is unclear.